The following is an entry in ClinVar:

NM_001122764.3(PPOX):c.-9G>A

Gene: PPOX (protoporphyrinogen oxidase; plus strand). Cytogenetic location: 1q23.3.
Variant type: single nucleotide variant.
Coding change: c.-9G>A on transcript NM_001122764.3 (MANE Select); 9 bases upstream of the start codon, G replaced by A.
Molecular consequence: 5 prime UTR variant. On other transcripts: intron variant (4).
Genome position (GRCh38, 1-based): chr1:161,166,672, G>A. VCF-style: chr1-161166672-G-A. GRCh37 (hg19) VCF-style: chr1-161136462-G-A.
Other names: c.-9G>A (NM_001350128.2, NM_001365399.1); c.-436G>A (NM_001350129.2); c.-527G>A (NM_001350130.2); c.-84G>A (NM_001365398.1); c.-413+61G>A (NM_001350131.2); c.-9+61G>A (NM_000309.5, NM_000309.3); c.-320+61G>A (NM_001365400.1); c.-379+61G>A (NM_001365401.1).
Identifiers: ClinVar variation 2202870 (VCV002202870.8), dbSNP rs999497211, ClinGen allele CA31631776.

ClinVar aggregate classification (germline): Conflicting classifications of pathogenicity. Review status: criteria provided, conflicting classifications (1 of 4 stars). 4 submissions from 4 submitters: Likely pathogenic (3); Uncertain significance (1). Last evaluated 2025-11-13.

Conditions:
PPOX-related disorder. Also called: PPOX-related condition.
Variegate porphyria (VP). Also called: PORPHYRIA, SOUTH AFRICAN TYPE; PROTOPORPHYRINOGEN OXIDASE DEFICIENCY; PPOX DEFICIENCY. Identifiers: Orphanet 79473, MedGen C0162532, MONDO:0008297, OMIM 176200.
Variegate porphyria, childhood-onset (VPCO). Also called: VARIEGATE PORPHYRIA, HOMOZYGOUS VARIANT. Identifiers: MedGen C5882681, MONDO:0957577, OMIM 620483.

Allele frequency attached by ClinVar (database versions not stated): gnomAD 0.00011; gnomAD exomes 0.00012; TOPMed 0.00018.
gnomAD v4.1: 178 of 1,501,736 alleles (0.012%); highest among the groups gnomAD compares: Middle Eastern, 0.095%; no homozygotes.

Submissions (5):

Variantyx, Inc.
Classification: Likely pathogenic for Variegate porphyria. Last evaluated: 2025-11-13. Review status: criteria provided, single submitter. Criteria: Variantyx Assertion Criteria 2022. Collection method: clinical testing. Allele origin: maternal. Inheritance: Autosomal dominant inheritance. Affected: yes.
Comment: Pathogenic variants in this gene have been associated with autosomal dominant porphyria variegata. This variant has been reported in the heterozygous state in at least 5 unrelated affected individuals (PMID: 27667166, 34426522) and it has also been identified in 16 heterozygous individuals in gnomAD, with a 0.0327% maximum allele frequency in non-founder control populations. Functional studies have shown that this variant alters splicing and results in a 4-bp deletion in 5'-untranslated region, which does not seem to affect PPOX transcriptional regulation or mRNA stability (PMID: 27667166) (BS3_Supporting). Based on the current evidence, this variant is classified as likely pathogenic for autosomal dominant porphyria variegata.

First Genomix Gene Laboratory, Genetic Diagnostics Department
Classification: Likely pathogenic for Variegate porphyria, childhood-onset. Last evaluated: 2025-03-25. Review status: criteria provided, single submitter. Criteria: ACMG Guidelines, 2015. Collection method: clinical testing. Allele origin: germline. Inheritance: Autosomal recessive inheritance. Affected: no. Observed: 1 variant allele.

PreventionGenetics, part of Exact Sciences
Classification: Uncertain significance for PPOX-related condition. Last evaluated: 2025-02-28. Review status: criteria provided, single submitter. Criteria: ACMG Guidelines, 2015. Collection method: clinical testing. Allele origin: germline.
Comment: The PPOX c.-9+61G>A variant is located in the 5' untranslated region. This variant (also described as c.1-176G>A, c.-9G>A, c.-436G>A, and c.-527G>A depending upon the PPOX transcript being studied), has been reported in three unrelated individuals with clinical and biochemical phenotypes consistent with variegate porphyria (Fiorentino et al. 2016. PubMed ID: 27667166). RNA sequencing of patient samples confirmed that this variant altered splicing leading to a 4-bp deletion within the 5' UTR of some, but not all, PPOX transcripts; however, the potential impact of this deletion on downstream protein translation is unclear (Fiorentino et al. 2016. PubMed ID: 27667166). This variant is reported in 0.013% of alleles in individuals of European (Non-Finnish) descent in gnomAD. Although we suspect that this variant may be pathogenic, at this time, the clinical significance of this variant is uncertain due to the absence of conclusive functional and genetic evidence.

Labcorp Genetics (formerly Invitae), Labcorp
Classification: Likely pathogenic. Last evaluated: 2024-12-03. Review status: criteria provided, single submitter. Criteria: Invitae Variant Classification Sherloc (09022015). Collection method: clinical testing. Allele origin: germline.
Comment: This variant occurs in a non-coding region of the PPOX gene. It does not change the encoded amino acid sequence of the PPOX protein. This variant is present in population databases (no rsID available, gnomAD 0.01%). This variant has been observed in individuals with clinical features of variegate porphyria (PMID: 27667166). This variant is also known as c.1-176G>A. ClinVar contains an entry for this variant (Variation ID: 2202870). Algorithms developed to predict the effect of sequence changes on RNA splicing suggest that this variant is not likely to affect RNA splicing. In summary, the currently available evidence indicates that the variant is pathogenic, but additional data are needed to prove that conclusively. Therefore, this variant has been classified as Likely Pathogenic.

Dr. Peter K. Rogan Lab, Western University
No classification provided (evidence only). Condition: Cervical cancer. Review status: no classification provided. Collection method: in vitro. Allele origin: not applicable. Functional consequence: cryptic splice site. Not counted in ClinVar's aggregate classification.

Literature cited by the submitters: PubMed 27667166 (cited by Variantyx, Inc. and Labcorp Genetics (formerly Invitae), Labcorp); PubMed 34426522 (cited by Variantyx, Inc.).